The following is an entry in ClinVar:

ClinVar aggregate classification (germline): Pathogenic (1 of 4 stars; one submission).

Conditions:
Glomuvenous malformation. Also called: Familial glomangioma; GLOMANGIOMAS, MULTIPLE; GLOMUS TUMORS, MULTIPLE; VENOUS MALFORMATIONS WITH GLOMUS CELLS. Identifiers: Orphanet 83454, MedGen C1841984, MONDO:0007672, OMIM 138000.

Submission:

Department of Clinical Genetics, Copenhagen University Hospital, Rigshospitalet
Classification: Pathogenic for Glomuvenous malformation. Last evaluated: 2026-06-18. Review status: criteria provided, single submitter. Criteria: ACMG Guidelines, 2015. Collection method: clinical testing. Allele origin: germline.
Comment: The following ACMG criteria has been used: PVS1, PM2_sup (not reported in gnomAD v.4.1); PP4_mod (patient with blue rubber bleb nevus syndrome)

NM_053274.3(GLMN):c.379C>T (p.Gln127Ter)

Gene: GLMN (glomulin, FKBP associated protein; minus strand). Cytogenetic location: 1p22.1.
Variant type: single nucleotide variant.
Coding change: c.379C>T on transcript NM_053274.3 (MANE Select); coding-DNA position 379, C replaced by T.
Protein change: p.Gln127Ter; replaces glutamine 127 with a stop codon.
Molecular consequence: nonsense. On other transcripts: non-coding transcript variant (1).
Genome position (GRCh38, 1-based): chr1:92,290,213, G>A on the plus strand (C>T on the coding strand, the complement: GLMN is on the minus strand). VCF-style: chr1-92290213-G-A. GRCh37 (hg19) VCF-style: chr1-92755770-G-A.
Other names: c.379C>T, p.Gln127Ter (NM_001319683.2); short protein forms Q127*.
Identifiers: ClinVar variation 4871836 (VCV004871836.1).